The following is an entry in ClinVar:

ClinVar aggregate classification (germline): Uncertain significance (1 of 4 stars; one submission).

Allele frequency attached by ClinVar (database versions not stated): gnomAD 0.00001; gnomAD exomes 0.00001; TOPMed 0.00001.
gnomAD v4.1: 5 of 1,614,058 alleles (0.00031%); highest among the groups gnomAD compares: Admixed American, 0.0083%; no homozygotes.

Submission:

Labcorp Genetics (formerly Invitae), Labcorp
Classification: Uncertain significance. Last evaluated: 2025-06-23. Review status: criteria provided, single submitter. Criteria: Invitae Variant Classification Sherloc (09022015). Collection method: clinical testing. Allele origin: germline.
Comment: This sequence change replaces alanine, which is neutral and non-polar, with glycine, which is neutral and non-polar, at codon 118 of the HYOU1 protein (p.Ala118Gly). This variant is present in population databases (no rsID available, gnomAD 0.009%). This variant has not been reported in the literature in individuals affected with HYOU1-related conditions. ClinVar contains an entry for this variant (Variation ID: 2955017). An algorithm developed to predict the effect of missense changes on protein structure and function (PolyPhen-2) suggests that this variant is likely to be tolerated. In summary, the available evidence is currently insufficient to determine the role of this variant in disease. Therefore, it has been classified as a Variant of Uncertain Significance.

NM_006389.5(HYOU1):c.353C>G (p.Ala118Gly)

Gene: HYOU1 (hypoxia up-regulated 1; minus strand). Cytogenetic location: 11q23.3.
Variant type: single nucleotide variant.
Coding change: c.353C>G on transcript NM_006389.5 (MANE Select); coding-DNA position 353, C replaced by G.
Protein change: p.Ala118Gly; replaces alanine 118 with glycine.
Molecular consequence: missense variant.
Genome position (GRCh38, 1-based): chr11:119,055,251, G>C on the plus strand (C>G on the coding strand, the complement: HYOU1 is on the minus strand). VCF-style: chr11-119055251-G-C. GRCh37 (hg19) VCF-style: chr11-118925963-G-C.
Other names: c.353C>G, p.Ala118Gly (NM_001130991.3, NM_001411041.1); short protein forms A118G.
Identifiers: ClinVar variation 2955017 (VCV002955017.3), dbSNP rs1360458964, ClinGen allele CA382952657.
Genomic context (GRCh38, chr11:119,055,251, plus strand): 5'-ATCTGAAAGTGCACAGTCTGCCTCTGTGGGTCGAAAGTCAGCTCGTGCTCCGGGAAGCGG[G>C]CCTGGTAAAGAGCTACATGGGGGTTATCTGCCTGCTTCCCCAGGAGGTGCTGGAAGTAAC-3'
Protein context (NP_006380.1, residues 108-128): ADNPHVALYQ[Ala118Gly]RFPEHELTFD